The following is an entry in ClinVar:

ClinVar aggregate classification (germline): Pathogenic (1 of 4 stars; one submission).

Submission:

GeneDx
Classification: Pathogenic. Last evaluated: 2026-07-23. Review status: criteria provided, single submitter. Criteria: GeneDx Variant Classification Process June 2021. Collection method: clinical testing. Allele origin: germline.
Comment: Nonsense variant predicted to result in protein truncation or nonsense mediated decay in a gene for which loss of function is a known mechanism of disease; Not observed at significant frequency in large population cohorts (gnomAD); Has not been previously published as pathogenic or benign to our knowledge

NM_001009944.3(PKD1):c.2439C>A (p.Cys813Ter)

Gene: PKD1 (polycystin 1, transient receptor potential channel interacting; minus strand). Cytogenetic location: 16p13.3.
Variant type: single nucleotide variant.
Coding change: c.2439C>A on transcript NM_001009944.3 (MANE Select); coding-DNA position 2439, C replaced by A.
Protein change: p.Cys813Ter; replaces cysteine 813 with a stop codon.
Molecular consequence: nonsense.
Genome position (GRCh38, 1-based): chr16:2,114,584, G>T on the plus strand (C>A on the coding strand, the complement: PKD1 is on the minus strand). VCF-style: chr16-2114584-G-T. GRCh37 (hg19) VCF-style: chr16-2164585-G-T.
Other names: c.2439C>A, p.Cys813Ter (NM_000296.4); short protein forms C813*.
Identifiers: ClinVar variation 1321572 (VCV001321572.4), dbSNP rs746720158, ClinGen allele CA394387841.